The following is an entry in ClinVar:

ClinVar aggregate classification (germline): Likely benign (1 of 4 stars; one submission).

Conditions:
Age related macular degeneration 4. Identifiers: MedGen C1853147, MONDO:0012540, OMIM 610698.

gnomAD v4.1: 1 of 1,053,626 alleles (0.000095%); highest among the groups gnomAD compares: East Asian, 0.0036%; no homozygotes.

Submission:

Genomenon, Inc
Classification: Likely benign for Age related macular degeneration 4. Last evaluated: 2026-09-17. Review status: criteria provided, single submitter. Criteria: Genomenon Sequence Variant Interpretation Standards - Updated. Collection method: curation. Allele origin: germline. Affected: yes.
Comment: CFH c.2414-32A>T is an intronic variant located in intron 15. This variant has been observed in at least one proband affected with age-related macular degeneration (PMID: 18421087). It is absent or not present at a significant frequency in gnomAD. This variant is not predicted to impact splicing. In conclusion, we classify CFH c.2414-32A>T as a likely benign variant.

Literature cited by the submitters: PubMed 18421087.

NM_000186.4(CFH):c.2414-32A>T

Gene: CFH (complement factor H; plus strand). Cytogenetic location: 1q31.3.
Variant type: single nucleotide variant.
Coding change: c.2414-32A>T on transcript NM_000186.4 (MANE Select); 32 bases into the intron before coding-DNA position 2414, A replaced by T.
Molecular consequence: intron variant.
Genome position (GRCh38, 1-based): chr1:196,736,792, A>T. VCF-style: chr1-196736792-A-T. GRCh37 (hg19) VCF-style: chr1-196705922-A-T.
Identifiers: ClinVar variation 4291476 (VCV004291476.2).